The following is an entry in ClinVar:

ClinVar aggregate classification (germline): Conflicting classifications of pathogenicity. Review status: criteria provided, conflicting classifications (1 of 4 stars). 2 submissions from 2 submitters: Uncertain significance (1); Likely benign (1). Last evaluated 2025-11-26.

gnomAD v4.1: 4 of 1,194,503 alleles (0.00033%); highest among the groups gnomAD compares: Non-Finnish European, 0.00045%; no homozygotes.

Submissions (2):

Ambry Genetics
Classification: Uncertain significance. Last evaluated: 2025-11-26. Review status: criteria provided, single submitter. Criteria: Ambry Variant Classification Scheme 2023. Collection method: clinical testing. Allele origin: germline.

CeGaT Center for Human Genetics Tuebingen
Classification: Likely benign. Last evaluated: 2024-10-01. Review status: criteria provided, single submitter. Criteria: CeGaT Center For Human Genetics Tuebingen Variant Classification Criteria Version 2. Collection method: clinical testing. Allele origin: germline. Affected: yes. Observed: 1 variant allele.
Comment: IRAK1: BP4

NM_001569.4(IRAK1):c.361A>G (p.Ile121Val)

Genes: IRAK1 (interleukin 1 receptor associated kinase 1; minus strand), LOC130068849 (ATAC-STARR-seq lymphoblastoid silent region 21080; plus strand). Cytogenetic location: Xq28.
Variant type: single nucleotide variant.
Coding change: c.361A>G on transcript NM_001569.4 (MANE Select); coding-DNA position 361, A replaced by G.
Protein change: p.Ile121Val; replaces isoleucine 121 with valine.
Molecular consequence: missense variant.
Genome position (GRCh38, 1-based): chrX:154,019,272, T>C on the plus strand (A>G on the coding strand, the complement: IRAK1 is on the minus strand). VCF-style: chrX-154019272-T-C. GRCh37 (hg19) VCF-style: chrX-153284723-T-C.
Other names: c.361A>G, p.Ile121Val (NM_001025242.2, NM_001025243.2); c.439A>G, p.Ile147Val (NM_001410701.1); c.361A>G (NM_001569.3); short protein forms I121V, I147V.
Identifiers: ClinVar variation 3389187 (VCV003389187.14).